The following is an entry in ClinVar:

NM_207037.2(TCF12):c.1309G>A (p.Val437Met)

Gene: TCF12 (transcription factor 12; plus strand). Cytogenetic location: 15q21.3.
Variant type: single nucleotide variant.
Coding change: c.1309G>A on transcript NM_207037.2 (MANE Select); coding-DNA position 1309, G replaced by A.
Protein change: p.Val437Met; replaces valine 437 with methionine.
Molecular consequence: missense variant.
Genome position (GRCh38, 1-based): chr15:57,253,310, G>A. VCF-style: chr15-57253310-G-A. GRCh37 (hg19) VCF-style: chr15-57545508-G-A.
Other names: c.799G>A, p.Val267Met (NM_001306219.3); c.529G>A, p.Val177Met (NM_001306220.3); c.1309G>A, p.Val437Met (NM_001322151.2, NM_001322152.2, NM_001322159.3 and 2 more transcripts); c.652G>A, p.Val218Met (NM_001322154.2); c.1135G>A, p.Val379Met (NM_001322156.2); c.1237G>A, p.Val413Met (NM_001322157.3, NM_001322165.2, NM_003205.4 and 1 more transcripts); c.1063G>A, p.Val355Met (NM_001322158.2); c.1306G>A, p.Val436Met (NM_001322161.2); and 2 more; short protein forms V177M, V218M, V243M, V267M, V355M, V379M, V413M, V425M.
Identifiers: ClinVar variation 3767473 (VCV003767473.1).

ClinVar aggregate classification (germline): Uncertain significance (1 of 4 stars; one submission).

Submission:

GeneDx
Classification: Uncertain significance. Last evaluated: 2024-09-06. Review status: criteria provided, single submitter. Criteria: GeneDx Variant Classification Process June 2021. Collection method: clinical testing. Allele origin: germline. Affected: yes.
Comment: Not observed at significant frequency in large population cohorts (gnomAD); In silico analysis supports that this missense variant has a deleterious effect on protein structure/function; Has not been previously published as pathogenic or benign to our knowledge